The following is an entry in ClinVar:

ClinVar aggregate classification (germline): Uncertain significance. Review status: criteria provided, multiple submitters, no conflicts (2 of 4 stars). 2 submissions from 2 submitters: Uncertain significance (2). Last evaluated 2024-01-14.

Conditions:
Juvenile nephropathic cystinosis. Also called: Later-Onset (Juvenile) Cystinosis; Intermediate Cystinosis; CYSTINOSIS, LATE-ONSET JUVENILE OR ADOLESCENT NEPHROPATHIC TYPE. Identifiers: Orphanet 213, Orphanet 411634, MedGen C0268626, MONDO:0009066, OMIM 219900.
Nephropathic cystinosis (CTNS). Also called: Abderhalden Lignac Kaufmann disease; Abderhalden-Kaufmann-Lignac syndrome; CYSTINOSIN, DEFECT OF; LYSOSOMAL CYSTINE TRANSPORT PROTEIN, DEFECT OF. Identifiers: Orphanet 213, Orphanet 411629, MedGen C2931187, MONDO:0100151, OMIM 219800.
Ocular cystinosis. Also called: Non-Nephropathic (Ocular) Cystinosis; Non-Nephropathic Cystinosis. Identifiers: Orphanet 213, Orphanet 411641, MedGen C2931013, MONDO:0009064, OMIM 219750.
Inborn genetic diseases. Identifiers: MedGen C0950123, MeSH D030342.

Allele frequency attached by ClinVar (database versions not stated): ESP Exome Variant Server 0.00008.
gnomAD v4.1: 5 of 1,614,090 alleles (0.00031%); highest among the groups gnomAD compares: African/African-American, 0.0067%; no homozygotes.

Submissions (2):

Fulgent Genetics
Classification: Uncertain significance for Ocular cystinosis; Nephropathic cystinosis; Juvenile nephropathic cystinosis. Last evaluated: 2024-01-14. Review status: criteria provided, single submitter. Criteria: ACMG Guidelines, 2015. Collection method: clinical testing. Allele origin: germline.

Labcorp Genetics (formerly Invitae), Labcorp
Classification: Uncertain significance for Inborn genetic diseases; Ocular cystinosis; Juvenile nephropathic cystinosis. Last evaluated: 2022-06-03. Review status: criteria provided, single submitter. Criteria: Invitae Variant Classification Sherloc (09022015). Collection method: clinical testing. Allele origin: germline.
Comment: This sequence change replaces tryptophan, which is neutral and slightly polar, with arginine, which is basic and polar, at codon 326 of the CTNS protein (p.Trp326Arg). This variant is present in population databases (rs372665052, gnomAD 0.01%). This variant has not been reported in the literature in individuals affected with CTNS-related conditions. Advanced modeling of protein sequence and biophysical properties (such as structural, functional, and spatial information, amino acid conservation, physicochemical variation, residue mobility, and thermodynamic stability) performed at Invitae indicates that this missense variant is expected to disrupt CTNS protein function. In summary, the available evidence is currently insufficient to determine the role of this variant in disease. Therefore, it has been classified as a Variant of Uncertain Significance.

NM_004937.3(CTNS):c.976T>A (p.Trp326Arg)

Gene: CTNS (cystinosin, lysosomal cystine transporter; plus strand). Cytogenetic location: 17p13.2.
Variant type: single nucleotide variant.
Coding change: c.976T>A on transcript NM_004937.3 (MANE Select); coding-DNA position 976, T replaced by A.
Protein change: p.Trp326Arg; replaces tryptophan 326 with arginine.
Molecular consequence: missense variant.
Genome position (GRCh38, 1-based): chr17:3,660,241, T>A. VCF-style: chr17-3660241-T-A. GRCh37 (hg19) VCF-style: chr17-3563535-T-A.
Other names: c.976T>A, p.Trp326Arg (NM_001031681.3, NM_001374492.1); c.535T>A, p.Trp179Arg (NM_001374493.1, NM_001374494.1, NM_001374495.1 and 1 more transcripts); short protein forms W326R, W179R.
Identifiers: ClinVar variation 1982495 (VCV001982495.2), dbSNP rs372665052, ClinGen allele CA8291999.